The following is an entry in ClinVar:

ClinVar aggregate classification (germline): Likely pathogenic (1 of 4 stars; one submission).

Conditions:
Mendelian susceptibility to mycobacterial diseases due to partial STAT1 deficiency. Also called: IMMUNODEFICIENCY 31A, MYCOBACTERIOSIS, AUTOSOMAL DOMINANT; STAT1 DEFICIENCY, AUTOSOMAL DOMINANT; Immunodeficiency 31a. Identifiers: Orphanet 319595, MedGen C4013950, MONDO:0013956, OMIM 614892.
Immunodeficiency 31B. Also called: STAT1 DEFICIENCY, AUTOSOMAL RECESSIVE; IMMUNODEFICIENCY 31B, MYCOBACTERIAL AND VIRAL INFECTIONS, AUTOSOMAL RECESSIVE. Identifiers: Orphanet 391311, MedGen C3151088, MONDO:0013427, OMIM 613796.
Autoimmune enteropathy and endocrinopathy - susceptibility to chronic infections syndrome. Also called: Immunodeficiency 31C, autosomal dominant; Immunodeficiency 31C. Identifiers: Orphanet 391487, MedGen C3279990, MONDO:0013599, OMIM 614162.

Submission:

Labcorp Genetics (formerly Invitae), Labcorp
Classification: Likely pathogenic for Mendelian susceptibility to mycobacterial diseases due to partial STAT1 deficiency; Immunodeficiency 31B; Autoimmune enteropathy and endocrinopathy - susceptibility to chronic infections syndrome. Last evaluated: 2023-01-12. Review status: criteria provided, single submitter. Criteria: Invitae Variant Classification Sherloc (09022015). Collection method: clinical testing. Allele origin: germline.
Comment: Algorithms developed to predict the effect of missense changes on protein structure and function are either unavailable or do not agree on the potential impact of this missense change (SIFT: "Tolerated"; PolyPhen-2: "Probably Damaging"; Align-GVGD: "Class C0"). This missense change has been observed in individual(s) with clinical features of chronic mucocutaneous candidiasis (PMID: 23541320, 27063510). In at least one individual the variant was observed to be de novo. This variant is not present in population databases (gnomAD no frequency). This sequence change replaces phenylalanine, which is neutral and non-polar, with leucine, which is neutral and non-polar, at codon 172 of the STAT1 protein (p.Phe172Leu). Experimental studies have shown that this missense change affects STAT1 function (PMID: 23541320). In summary, the currently available evidence indicates that the variant is pathogenic, but additional data are needed to prove that conclusively. Therefore, this variant has been classified as Likely Pathogenic.

Literature cited by the submitters: PubMed 23541320; PubMed 27063510.

NM_007315.4(STAT1):c.516C>G (p.Phe172Leu)

Gene: STAT1 (signal transducer and activator of transcription 1; minus strand). Cytogenetic location: 2q32.2.
Variant type: single nucleotide variant.
Coding change: c.516C>G on transcript NM_007315.4 (MANE Select); coding-DNA position 516, C replaced by G.
Protein change: p.Phe172Leu; replaces phenylalanine 172 with leucine.
Molecular consequence: missense variant. On other transcripts: nonsense (1).
Genome position (GRCh38, 1-based): chr2:190,999,651, G>C on the plus strand (C>G on the coding strand, the complement: STAT1 is on the minus strand). VCF-style: chr2-190999651-G-C. GRCh37 (hg19) VCF-style: chr2-191864377-G-C.
Other names: c.516C>G, p.Phe172Leu (NM_001384880.1, NM_001384882.1, NM_001384885.1 and 5 more transcripts); c.522C>G, p.Phe174Leu (NM_001384881.1, NM_001384884.1); c.509C>G, p.Ser170Ter (NM_001384883.1); c.426C>G, p.Phe142Leu (NM_001384890.1); c.552C>G, p.Phe184Leu (NM_001384891.1); short protein forms F172L, F174L, F184L, S170*, F142L.
Identifiers: ClinVar variation 2943116 (VCV002943116.3), dbSNP rs2470526475, ClinGen allele CA349924387.